The following is an entry in ClinVar:

NM_001303256.3(MORC2):c.2798A>C (p.Gln933Pro)

Gene: MORC2 (MORC family CW-type zinc finger 2; minus strand). Cytogenetic location: 22q12.2.
Variant type: single nucleotide variant.
Coding change: c.2798A>C on transcript NM_001303256.3 (MANE Select); coding-DNA position 2798, A replaced by C.
Protein change: p.Gln933Pro; replaces glutamine 933 with proline.
Molecular consequence: missense variant.
Genome position (GRCh38, 1-based): chr22:30,932,402, T>G on the plus strand (A>C on the coding strand, the complement: MORC2 is on the minus strand). VCF-style: chr22-30932402-T-G. GRCh37 (hg19) VCF-style: chr22-31328389-T-G.
Other names: c.2798A>C, p.Gln933Pro (NM_001303257.2); c.2612A>C, p.Gln871Pro (NM_014941.3); short protein forms Q871P, Q933P.
Identifiers: ClinVar variation 1346259 (VCV001346259.6), dbSNP rs2147240279, ClinGen allele CA411231393.
Genomic context (GRCh38, chr22:30,932,402, plus strand): 5'-GGTCAGGCCAGACTCACCAGAGGAAAAGATATTAGCTCATCTGAATTCATAGCACTCAGC[T>G]GCTTCTTGGAGATGGGGAAACTTGGAGGCAGGAAGTACCGTAAACAATTCCTAAAGAAGG-3'
Protein context (NP_001290185.1, residues 923-943): LPPSFPISKK[Gln933Pro]LSAMNSDELI

ClinVar aggregate classification (germline): Uncertain significance (1 of 4 stars; one submission).

Conditions:
Charcot-Marie-Tooth disease axonal type 2Z. Also called: CHARCOT-MARIE-TOOTH DISEASE, AXONAL, AUTOSOMAL DOMINANT, TYPE 2Z; CHARCOT-MARIE-TOOTH NEUROPATHY, TYPE 2Z. Identifiers: Orphanet 466768, MedGen C5569025, MONDO:0014736, OMIM 616688.

Submission:

Labcorp Genetics (formerly Invitae), Labcorp
Classification: Uncertain significance for Charcot-Marie-Tooth disease axonal type 2Z. Last evaluated: 2020-11-11. Review status: criteria provided, single submitter. Criteria: Invitae Variant Classification Sherloc (09022015). Collection method: clinical testing. Allele origin: germline.
Comment: In summary, the available evidence is currently insufficient to determine the role of this variant in disease. Therefore, it has been classified as a Variant of Uncertain Significance. Advanced modeling of protein sequence and biophysical properties (such as structural, functional, and spatial information, amino acid conservation, physicochemical variation, residue mobility, and thermodynamic stability) performed at Invitae indicates that this missense variant is not expected to disrupt MORC2 protein function. This variant has been observed in individual(s) with clinical features of Charcot-Marie-Tooth disease (Invitae). This variant is not present in population databases (ExAC no frequency). This sequence change replaces glutamine with proline at codon 933 of the MORC2 protein (p.Gln933Pro). The glutamine residue is weakly conserved and there is a moderate physicochemical difference between glutamine and proline.